The following is an entry in ClinVar:

ClinVar aggregate classification (germline): Uncertain significance (1 of 4 stars; one submission).

Conditions:
Hereditary cancer-predisposing syndrome. Also called: Hereditary Cancer Syndrome; Neoplastic Syndromes, Hereditary; Tumor predisposition; Hereditary neoplastic syndrome. Identifiers: Orphanet 140162, MedGen C0027672, MeSH D009386, MONDO:0015356.

Submission:

Color Diagnostics, LLC DBA Color Health
Classification: Uncertain significance for Hereditary cancer-predisposing syndrome. Last evaluated: 2024-03-07. Review status: criteria provided, single submitter. Criteria: ACMG Guidelines, 2015. Collection method: clinical testing. Allele origin: germline.
Comment: This missense variant replaces glutamic acid with aspartic acid at codon 348 of the BMPR1A protein. Computational prediction suggests that this variant may not impact protein structure and function (internally defined REVEL score threshold <= 0.5, PMID: 27666373). To our knowledge, functional studies have not been reported for this variant. This variant has not been reported in individuals affected with BMPR1A-related disorders in the literature. This variant has not been identified in the general population by the Genome Aggregation Database (gnomAD). The available evidence is insufficient to determine the role of this variant in disease conclusively. Therefore, this variant is classified as a Variant of Uncertain Significance.

NM_004329.3(BMPR1A):c.1044A>C (p.Glu348Asp)

Gene: BMPR1A (bone morphogenetic protein receptor type 1A; plus strand). Cytogenetic location: 10q23.2.
Variant type: single nucleotide variant.
Coding change: c.1044A>C on transcript NM_004329.3 (MANE Select); coding-DNA position 1044, A replaced by C.
Protein change: p.Glu348Asp; replaces glutamic acid 348 with aspartic acid.
Molecular consequence: missense variant.
Genome position (GRCh38, 1-based): chr10:86,919,347, A>C. VCF-style: chr10-86919347-A-C. GRCh37 (hg19) VCF-style: chr10-88679104-A-C.
Other names: short protein forms E348D.
Identifiers: ClinVar variation 489680 (VCV000489680.6), dbSNP rs781082609, ClinGen allele CA377460679.